The following is an entry in ClinVar:

NM_198253.3(TERT):c.2066C>A (p.Ala689Asp)

Gene: TERT (telomerase reverse transcriptase; minus strand). Cytogenetic location: 5p15.33.
Variant type: single nucleotide variant.
Coding change: c.2066C>A on transcript NM_198253.3 (MANE Select); coding-DNA position 2066, C replaced by A.
Protein change: p.Ala689Asp; replaces alanine 689 with aspartic acid.
Molecular consequence: missense variant. On other transcripts: non-coding transcript variant (2).
Genome position (GRCh38, 1-based): chr5:1,279,355, G>T on the plus strand (C>A on the coding strand, the complement: TERT is on the minus strand). VCF-style: chr5-1279355-G-T. GRCh37 (hg19) VCF-style: chr5-1279470-G-T.
Other names: c.2066C>A, p.Ala689Asp (NM_001193376.3, NM_003219.1); short protein forms A689D.
Identifiers: ClinVar variation 3238540 (VCV003238540.1), dbSNP rs2478275477.

ClinVar aggregate classification (germline): Uncertain significance (1 of 4 stars; one submission).

Conditions:
Dyskeratosis congenita. Identifiers: Orphanet 1775, MedGen C0265965, MONDO:0015780.

gnomAD v4.1: 1 of 1,578,280 alleles (0.000063%); highest among the groups gnomAD compares: South Asian, 0.0012%; no homozygotes.

Submission:

Ambry Genetics
Classification: Uncertain significance for Dyskeratosis congenita. Last evaluated: 2024-02-28. Review status: criteria provided, single submitter. Criteria: Ambry Variant Classification Scheme 2023. Collection method: clinical testing. Allele origin: germline.
Comment: The p.A689D variant (also known as c.2066C>A), located in coding exon 5 of the TERT gene, results from a C to A substitution at nucleotide position 2066. The alanine at codon 689 is replaced by aspartic acid, an amino acid with dissimilar properties. This amino acid position is conserved. In addition, the in silico prediction for this alteration is inconclusive. Based on the available evidence, the clinical significance of this alteration remains unclear.